The following is an entry in ClinVar:

ClinVar aggregate classification (germline): Uncertain significance (1 of 4 stars; one submission).

Conditions:
Neurodevelopmental disorder, nonprogressive, with spasticity and transient opisthotonus. Identifiers: MedGen C5562040, MONDO:0859212, OMIM 619653.

gnomAD v4.1: 1 of 1,597,466 alleles (0.000063%); highest among the groups gnomAD compares: Non-Finnish European, 0.000085%; no homozygotes.

Submission:

Neuberg Centre For Genomic Medicine, NCGM
Classification: Uncertain significance for Neurodevelopmental disorder, nonprogressive, with spasticity and transient opisthotonus. Last evaluated: 2023-05-20. Review status: criteria provided, single submitter. Criteria: ACMG Guidelines, 2015. Collection method: clinical testing. Allele origin: germline. Inheritance: Autosomal recessive inheritance. Affected: yes.
Comment: The missense variant c.1760C>T(p.Thr587Ile) in TNR gene has not been reported previously as a pathogenic variant nor as a benign variant, to our knowledge. The observed variant is absent in gnomAD exomes database. This variant has not been submitted to the ClinVar database. Multiple lines of computational evidence (Polyphen - Benign, SIFT - Tolerated and MutationTaster - Polymorphism) predict no damaging effect on protein structure and function for this variant. The reference amino acid change p.Thr587Ile in TNR is predicted as conserved by GERP++ and PhyloP across 100 vertebrates. The amino acid Thr at position 587 is changed to a Ile changing protein sequence and it might alter its composition and physico-chemical properties. For these reasons, this variant has been classified as Uncertain Significance (VUS).

NM_003285.3(TNR):c.1760C>T (p.Thr587Ile)

Gene: TNR (tenascin R; minus strand). Cytogenetic location: 1q25.1.
Variant type: single nucleotide variant.
Coding change: c.1760C>T on transcript NM_003285.3 (MANE Select); coding-DNA position 1760, C replaced by T.
Protein change: p.Thr587Ile; replaces threonine 587 with isoleucine.
Molecular consequence: missense variant.
Genome position (GRCh38, 1-based): chr1:175,386,049, G>A on the plus strand (C>T on the coding strand, the complement: TNR is on the minus strand). VCF-style: chr1-175386049-G-A. GRCh37 (hg19) VCF-style: chr1-175355185-G-A.
Other names: c.761C>T, p.Thr254Ile (NM_001328635.2); short protein forms T254I, T587I.
Identifiers: ClinVar variation 3367016 (VCV003367016.1).